The following is an entry in ClinVar:

ClinVar aggregate classification (germline): Uncertain significance (1 of 4 stars; one submission).

Allele frequency attached by ClinVar (database versions not stated): ExAC 0.00008; TOPMed below 0.00001; gnomAD exomes 0.00003; gnomAD 0.00001.
gnomAD v4.1: 38 of 1,196,089 alleles (0.0032%); highest among the groups gnomAD compares: South Asian, 0.0074%; 1 homozygote.

Submission:

Labcorp Genetics (formerly Invitae), Labcorp
Classification: Uncertain significance. Last evaluated: 2025-12-13. Review status: criteria provided, single submitter. Criteria: Invitae Variant Classification Sherloc (09022015). Collection method: clinical testing. Allele origin: germline.
Comment: This sequence change replaces arginine, which is basic and polar, with tryptophan, which is neutral and slightly polar, at codon 757 of the DRP2 protein (p.Arg757Trp). The frequency data for this variant in the population databases is considered unreliable, as metrics indicate poor data quality at this position in the gnomAD database. This variant has not been reported in the literature in individuals affected with DRP2-related conditions. ClinVar contains an entry for this variant (Variation ID: 2991740). Invitae Evidence Modeling of protein sequence and biophysical properties (such as structural, functional, and spatial information, amino acid conservation, physicochemical variation, residue mobility, and thermodynamic stability) has been performed for this missense variant. However, the output from this modeling did not meet the statistical confidence thresholds required to predict the impact of this variant on DRP2 protein function. In summary, the available evidence is currently insufficient to determine the role of this variant in disease. Therefore, it has been classified as a Variant of Uncertain Significance.

NM_001939.3(DRP2):c.2269C>T (p.Arg757Trp)

Gene: DRP2 (dystrophin related protein 2; plus strand). Cytogenetic location: Xq22.1.
Variant type: single nucleotide variant.
Coding change: c.2269C>T on transcript NM_001939.3 (MANE Select); coding-DNA position 2269, C replaced by T.
Protein change: p.Arg757Trp; replaces arginine 757 with tryptophan.
Molecular consequence: missense variant.
Genome position (GRCh38, 1-based): chrX:101,256,140, C>T. VCF-style: chrX-101256140-C-T. GRCh37 (hg19) VCF-style: chrX-100511129-C-T.
Other names: c.2035C>T, p.Arg679Trp (NM_001171184.2); short protein forms R679W, R757W.
Identifiers: ClinVar variation 2991740 (VCV002991740.3), dbSNP rs201693431, ClinGen allele CA10472451.
Genomic context (GRCh38, chrX:101,256,140, plus strand): 5'-AACTGGTCACCTACTCTGCTTTCCCCACACCCATGCAGAGACGAGGACCAGTACCTGCTG[C>T]GGCACTCCAGCCCCATCACAGACCGGGAGCCAGCCTTTGGACAGCAGGCTCCATGCAGTG-3'
Protein context (NP_001930.2, residues 747-767): DSIDEDQYLL[Arg757Trp]HSSPITDREP